The following is an entry in ClinVar:

ClinVar aggregate classification (germline): Uncertain significance (1 of 4 stars; one submission).

Submission:

GeneDx
Classification: Uncertain significance. Last evaluated: 2022-05-12. Review status: criteria provided, single submitter. Criteria: GeneDx Variant Classification Process June 2021. Collection method: clinical testing. Allele origin: germline. Affected: yes.
Comment: Not observed at significant frequency in large population cohorts (gnomAD); In silico analysis supports that this missense variant does not alter protein structure/function; Has not been previously published as pathogenic or benign to our knowledge

NM_173630.4(RTTN):c.187G>A (p.Glu63Lys)

Gene: RTTN (rotatin; minus strand). Cytogenetic location: 18q22.2.
Variant type: single nucleotide variant.
Coding change: c.187G>A on transcript NM_173630.4 (MANE Select); coding-DNA position 187, G replaced by A.
Protein change: p.Glu63Lys; replaces glutamic acid 63 with lysine.
Molecular consequence: missense variant. On other transcripts: 5 prime UTR variant (1).
Genome position (GRCh38, 1-based): chr18:70,205,160, C>T on the plus strand (G>A on the coding strand, the complement: RTTN is on the minus strand). VCF-style: chr18-70205160-C-T. GRCh37 (hg19) VCF-style: chr18-67872396-C-T.
Other names: c.-2367G>A (NM_001318520.2); short protein forms E63K.
Identifiers: ClinVar variation 1723841 (VCV001723841.2), dbSNP rs2513099080, ClinGen allele CA402692855.